The following is an entry in ClinVar:

ClinVar aggregate classification (germline): Uncertain significance. Review status: criteria provided, single submitter (1 of 4 stars). 2 submissions from 2 submitters: Uncertain significance (1). 1 of the submissions does not count toward it. Last evaluated 2024-08-08.

Conditions:
LAMA5-related disorder. Also called: LAMA5-Related Disorders; LAMA5-related condition.

Allele frequency attached by ClinVar (database versions not stated): ExAC 0.00061; gnomAD 0.00023; TOPMed 0.00027; 1000 Genomes Project 30x 0.00031; 1000 Genomes Project 0.00040.
gnomAD v4.1: 224 of 1,529,950 alleles (0.015%); highest among the groups gnomAD compares: South Asian, 0.14%; 3 homozygotes.

Submissions (2):

Labcorp Genetics (formerly Invitae), Labcorp
Classification: Uncertain significance. Last evaluated: 2024-08-08. Review status: criteria provided, single submitter. Criteria: Invitae Variant Classification Sherloc (09022015). Collection method: clinical testing. Allele origin: germline.
Comment: This sequence change replaces alanine, which is neutral and non-polar, with valine, which is neutral and non-polar, at codon 2551 of the LAMA5 protein (p.Ala2551Val). This variant is present in population databases (rs556545870, gnomAD 0.2%). This variant has not been reported in the literature in individuals affected with LAMA5-related conditions. An algorithm developed to predict the effect of missense changes on protein structure and function (PolyPhen-2) suggests that this variant is likely to be disruptive. Algorithms developed to predict the effect of sequence changes on RNA splicing suggest that this variant may create or strengthen a splice site. In summary, the available evidence is currently insufficient to determine the role of this variant in disease. Therefore, it has been classified as a Variant of Uncertain Significance.

PreventionGenetics, part of Exact Sciences
Classification: Likely benign for LAMA5-related condition. Last evaluated: 2022-05-16. Review status: no assertion criteria provided. Collection method: clinical testing. Allele origin: germline. Not counted in ClinVar's aggregate classification.
Comment: This variant is classified as likely benign based on ACMG/AMP sequence variant interpretation guidelines (Richards et al. 2015 PMID: 25741868, with internal and published modifications).

NM_005560.6(LAMA5):c.7652C>T (p.Ala2551Val)

Gene: LAMA5 (laminin subunit alpha 5; minus strand). Cytogenetic location: 20q13.33.
Variant type: single nucleotide variant.
Coding change: c.7652C>T on transcript NM_005560.6 (MANE Select); coding-DNA position 7652, C replaced by T.
Protein change: p.Ala2551Val; replaces alanine 2551 with valine.
Molecular consequence: missense variant.
Genome position (GRCh38, 1-based): chr20:62,316,883, G>A on the plus strand (C>T on the coding strand, the complement: LAMA5 is on the minus strand). VCF-style: chr20-62316883-G-A. GRCh37 (hg19) VCF-style: chr20-60891939-G-A.
Other names: short protein forms A2551V.
Identifiers: ClinVar variation 3046363 (VCV003046363.3), dbSNP rs556545870, ClinGen allele CA9941133.